The following is an entry in ClinVar:

NM_000384.3(APOB):c.2379G>A (p.Gln793=)

Gene: APOB (apolipoprotein B; minus strand). Cytogenetic location: 2p24.1.
Variant type: single nucleotide variant.
Coding change: c.2379G>A on transcript NM_000384.3 (MANE Select); coding-DNA position 2379, G replaced by A.
Protein change: p.Gln793=; no amino-acid change (glutamine 793 retained).
Molecular consequence: synonymous variant.
Genome position (GRCh38, 1-based): chr2:21,024,990, C>T on the plus strand (G>A on the coding strand, the complement: APOB is on the minus strand). VCF-style: chr2-21024990-C-T. GRCh37 (hg19) VCF-style: chr2-21247862-C-T.
Identifiers: ClinVar variation 630340 (VCV000630340.16), dbSNP rs768889458, ClinGen allele CA056025.

ClinVar aggregate classification (germline): Likely benign. Review status: criteria provided, multiple submitters, no conflicts (2 of 4 stars). 3 submissions from 3 submitters: Likely benign (3). Last evaluated 2026-02-24.

Conditions:
Cardiovascular phenotype. Identifiers: MedGen CN230736.
Hypercholesterolemia, autosomal dominant, type B (FHCL2). Also called: Familial Hypercholesterolemia Type B; Familial hypercholesterolemia 2; APOLIPOPROTEIN B-100, FAMILIAL DEFECTIVE; APOLIPOPROTEIN B-100, FAMILIAL LIGAND-DEFECTIVE; HYPERCHOLESTEROLEMIA, FAMILIAL, DUE TO LIGAND-DEFECTIVE APOLIPOPROTEIN B; APOB-Related Familial Hypercholesterolemia, Autosomal Dominant. Identifiers: MedGen C1704417, MONDO:0007751, OMIM 144010.
Familial hypobetalipoproteinemia 1. Also called: APOB-Related Familial Hypobetalipoproteinemia; Hypobetalipoproteinemia, normotriglyceridemic; Acanthocytosis with hypobetalipoproteinemia. Identifiers: MedGen C4551990, MONDO:0014252, OMIM 615558.
Familial hypercholesterolemia. Also called: Familial hypercholesterolemias; Familial hypercholesterolaemia. Identifiers: MedGen C0020445, MONDO:0005439.

Allele frequency attached by ClinVar (database versions not stated): ExAC 0.00001; gnomAD 0.00003 and 0.00004; TOPMed 0.00004.
gnomAD v4.1: 28 of 1,614,110 alleles (0.0017%); highest among the groups gnomAD compares: Non-Finnish European, 0.0022%; no homozygotes.

Submissions (3):

GENinCode PLC
Classification: Likely benign for Familial hypercholesterolemia. Last evaluated: 2026-02-24. Review status: criteria provided, single submitter. Criteria: ACMG Guidelines, 2015. Collection method: clinical testing. Allele origin: germline.
Comment: This is a synonymous (silent) variant that is not predicted to impact splicing and occurs at a nucleotide which is not highly conserved. This variant has been classified as Likely Benign (BP4, BP7).

Labcorp Genetics (formerly Invitae), Labcorp
Classification: Likely benign for Familial hypobetalipoproteinemia 1; Hypercholesterolemia, autosomal dominant, type B. Last evaluated: 2024-09-09. Review status: criteria provided, single submitter. Criteria: Invitae Variant Classification Sherloc (09022015). Collection method: clinical testing. Allele origin: germline.

Ambry Genetics
Classification: Likely benign for Cardiovascular phenotype. Last evaluated: 2022-05-30. Review status: criteria provided, single submitter. Criteria: Ambry Variant Classification Scheme 2023. Collection method: clinical testing. Allele origin: germline.